The following is an entry in ClinVar:

ClinVar aggregate classification (germline): Likely benign. Review status: criteria provided, single submitter (1 of 4 stars). 2 submissions from 2 submitters: Likely benign (1). 1 of the submissions does not count toward it. Last evaluated 2024-08-08.

Conditions:
Multiple endocrine neoplasia type 4. Also called: MULTIPLE ENDOCRINE NEOPLASIA, TYPE IV. Identifiers: Orphanet 276152, MedGen C1970712, MONDO:0012552, OMIM 610755.
CDKN1B-related disorder. Also called: CDKN1B-related condition.

gnomAD v4.1: 2 of 1,599,022 alleles (0.00013%); highest among the groups gnomAD compares: Non-Finnish European, 0.00017%; no homozygotes.

Submissions (2):

Labcorp Genetics (formerly Invitae), Labcorp
Classification: Likely benign for Multiple endocrine neoplasia type 4. Last evaluated: 2024-08-08. Review status: criteria provided, single submitter. Criteria: Invitae Variant Classification Sherloc (09022015). Collection method: clinical testing. Allele origin: germline.

PreventionGenetics, part of Exact Sciences
Classification: Likely benign for CDKN1B-related condition. Last evaluated: 2024-08-22. Review status: no assertion criteria provided. Collection method: clinical testing. Allele origin: germline. Not counted in ClinVar's aggregate classification.
Comment: This variant is classified as likely benign based on ACMG/AMP sequence variant interpretation guidelines (Richards et al. 2015 PMID: 25741868, with internal and published modifications).

NM_004064.5(CDKN1B):c.475+8C>T

Gene: CDKN1B (cyclin dependent kinase inhibitor 1B; plus strand). Cytogenetic location: 12p13.1.
Variant type: single nucleotide variant.
Coding change: c.475+8C>T on transcript NM_004064.5 (MANE Select); 8 bases into the intron after coding-DNA position 475, C replaced by T.
Molecular consequence: intron variant.
Genome position (GRCh38, 1-based): chr12:12,718,322, C>T. VCF-style: chr12-12718322-C-T. GRCh37 (hg19) VCF-style: chr12-12871256-C-T.
Identifiers: ClinVar variation 3344611 (VCV003344611.3).